The following is an entry in ClinVar:

NM_198578.4(LRRK2):c.6324G>A (p.Glu2108=)

Gene: LRRK2 (leucine rich repeat kinase 2; plus strand). Cytogenetic location: 12q12.
Variant type: single nucleotide variant.
Coding change: c.6324G>A on transcript NM_198578.4 (MANE Select); coding-DNA position 6324, G replaced by A.
Protein change: p.Glu2108=; no amino-acid change (glutamic acid 2108 retained).
Molecular consequence: synonymous variant.
Genome position (GRCh38, 1-based): chr12:40,348,452, G>A. VCF-style: chr12-40348452-G-A. GRCh37 (hg19) VCF-style: chr12-40742254-G-A.
Other names: p.Glu2108=.
Identifiers: ClinVar variation 39222 (VCV000039222.24), dbSNP rs10878405, ClinGen allele CA343653.

ClinVar aggregate classification (germline): Benign. Review status: criteria provided, multiple submitters, no conflicts (2 of 4 stars). 10 submissions from 10 submitters: Benign (6). 4 of the submissions do not count toward it. Last evaluated 2026-02-03.

Conditions:
Autosomal dominant Parkinson disease 8. Also called: Parkinson disease 8, susceptibility to; LRRK2-Related Parkinson Disease; Parkinson disease 8. Identifiers: Orphanet 411602, MedGen C1846862, MONDO:0011764, OMIM 607060.

Allele frequency attached by ClinVar (database versions not stated): TOPMed 0.25264; ExAC 0.30013; gnomAD exomes 0.30156 and 0.31364; ESP Exome Variant Server 0.25608; gnomAD 0.26650 and 0.27232; 1000 Genomes Project 30x 0.26749; 1000 Genomes Project 0.27376.
gnomAD v4.1: 497,320 of 1,607,610 alleles (31%); highest among the groups gnomAD compares: South Asian, 36%; 80,025 homozygotes.

Submissions (10):

Labcorp Genetics (formerly Invitae), Labcorp
Classification: Benign for Autosomal dominant Parkinson disease 8. Last evaluated: 2026-02-03. Review status: criteria provided, single submitter. Criteria: Invitae Variant Classification Sherloc (09022015). Collection method: clinical testing. Allele origin: germline.

Mayo Clinic Laboratories, Mayo Clinic
Classification: Benign. Last evaluated: 2022-03-24. Review status: criteria provided, single submitter. Criteria: ACMG Guidelines, 2015. Collection method: clinical testing. Allele origin: germline. Observed: 322 variant alleles.

Fulgent Genetics
Classification: Benign for Autosomal dominant Parkinson disease 8. Last evaluated: 2021-07-22. Review status: criteria provided, single submitter. Criteria: ACMG Guidelines, 2015. Collection method: clinical testing. Allele origin: unknown.

GeneDx
Classification: Benign. Last evaluated: 2018-08-28. Review status: criteria provided, single submitter. Criteria: GeneDx Variant Classification Process June 2021. Collection method: clinical testing. Allele origin: germline. Affected: yes.

Illumina Laboratory Services, Illumina
Classification: Benign for Autosomal dominant Parkinson disease 8. Last evaluated: 2018-01-12. Review status: criteria provided, single submitter. Criteria: ICSL Variant Classification Criteria 13 December 2019. Collection method: clinical testing. Allele origin: germline.
Comment: This variant was observed in the ICSL laboratory as part of a predisposition screen in an ostensibly healthy population. It had not been previously curated by ICSL or reported in the Human Gene Mutation Database (HGMD: prior to June 1st, 2018), and was therefore a candidate for classification through an automated scoring system. Utilizing variant allele frequency, disease prevalence and penetrance estimates, and inheritance mode, an automated score was calculated to assess if this variant is too frequent to cause the disease. Based on the score and internal cut-off values, a variant classified as benign is not then subjected to further curation. The score for this variant resulted in a classification of benign for this disease.

Breakthrough Genomics
Classification: Benign. Review status: criteria provided, single submitter. Criteria: ACMG Guidelines, 2015. Collection method: not provided. Allele origin: germline. Inheritance: Autosomal dominant inheritance. Affected: yes.

Clinical Genetics DNA and cytogenetics Diagnostics Lab, Erasmus MC, Erasmus Medical Center
Classification: Benign. Review status: no assertion criteria provided. Collection method: clinical testing. Allele origin: germline. Affected: yes. Study: VKGL Data-share Consensus. Not counted in ClinVar's aggregate classification.

GeneReviews
No classification provided. Condition: Autosomal dominant Parkinson disease 8. Review status: no classification provided. Collection method: literature only. Allele origin: unknown. Not counted in ClinVar's aggregate classification.

Genome Diagnostics Laboratory, Amsterdam University Medical Center
Classification: Benign. Review status: no assertion criteria provided. Collection method: clinical testing. Allele origin: germline. Affected: yes. Study: VKGL Data-share Consensus. Not counted in ClinVar's aggregate classification.

Joint Genome Diagnostic Labs from Nijmegen and Maastricht, Radboudumc and MUMC+
Classification: Benign. Review status: no assertion criteria provided. Collection method: clinical testing. Allele origin: germline. Affected: yes. Study: VKGL Data-share Consensus. Not counted in ClinVar's aggregate classification.

Literature cited by the submitters: PubMed 20301387 (cited by GeneReviews); NCBI Bookshelf NBK1208 (cited by GeneReviews).